The following is an entry in ClinVar:

ClinVar aggregate classification (germline): Pathogenic/Likely pathogenic. Review status: criteria provided, multiple submitters, no conflicts (2 of 4 stars). 4 submissions from 4 submitters: Pathogenic (2); Likely pathogenic (1). 1 of the submissions does not count toward it. Last evaluated 2024-06-21.

Conditions:
Hereditary nonpolyposis colorectal neoplasms. Identifiers: MedGen C0009405, MeSH D003123.
Hereditary cancer-predisposing syndrome. Also called: Hereditary Cancer Syndrome; Hereditary neoplastic syndrome; Neoplastic Syndromes, Hereditary; Tumor predisposition. Identifiers: Orphanet 140162, MedGen C0027672, MeSH D009386, MONDO:0015356.

Submissions (4):

Labcorp Genetics (formerly Invitae), Labcorp
Classification: Pathogenic for Hereditary nonpolyposis colorectal neoplasms. Last evaluated: 2024-06-21. Review status: criteria provided, single submitter. Criteria: Invitae Variant Classification Sherloc (09022015). Collection method: clinical testing. Allele origin: germline.
Comment: This sequence change creates a premature translational stop signal (p.Arg1334Serfs*7) in the MSH6 gene. While this is not anticipated to result in nonsense mediated decay, it is expected to disrupt the last 27 amino acid(s) of the MSH6 protein. This variant is not present in population databases (gnomAD no frequency). This premature translational stop signal has been observed in individuals with personal and family history of Lynch syndrome-associated tumors (external communication). ClinVar contains an entry for this variant (Variation ID: 218076). Experimental studies and prediction algorithms are not available or were not evaluated, and the functional significance of this variant is currently unknown. For these reasons, this variant has been classified as Pathogenic.

Ambry Genetics
Classification: Pathogenic for Hereditary cancer-predisposing syndrome. Last evaluated: 2020-04-22. Review status: criteria provided, single submitter. Criteria: Ambry Variant Classification Scheme 2023. Collection method: clinical testing. Allele origin: germline.
Comment: The c.3999dupT pathogenic mutation, located in coding exon 9 of the MSH6 gene, results from a duplication of T at nucleotide position 3999, causing a translational frameshift with a predicted alternate stop codon (p.R1334Sfs*7). This alteration had been identified in individuals with MSH6-deficient colon and/or endometrial cancers (Ambry internal data). This variant was not reported in population-based cohorts in the Genome Aggregation Database (gnomAD). This alteration is expected to result in loss of function by premature protein truncation. As such, this alteration is interpreted as a disease-causing mutation.

Color Diagnostics, LLC DBA Color Health
Classification: Likely pathogenic for Hereditary cancer-predisposing syndrome. Last evaluated: 2019-04-05. Review status: criteria provided, single submitter. Criteria: ACMG Guidelines, 2015. Collection method: clinical testing. Allele origin: germline.

Mayo Clinic Laboratories, Mayo Clinic
Classification: Likely pathogenic. Review status: no assertion criteria provided. Collection method: clinical testing. Allele origin: unknown. Not counted in ClinVar's aggregate classification.

NM_000179.3(MSH6):c.3999dup (p.Arg1334fs)

Gene: MSH6 (mutS homolog 6; plus strand). Cytogenetic location: 2p16.3.
Variant type: Duplication.
Coding change: c.3999dup on transcript NM_000179.3 (MANE Select); coding-DNA position 3999, one base duplicated (T; older notation c.3999dupT).
Protein change: p.Arg1334fs; shifts the reading frame from arginine 1334.
Molecular consequence: frameshift variant.
Genome position (GRCh38, 1-based): chr2:47,806,649, T duplicated; the last of 3 consecutive T bases (chr2:47,806,647-47,806,649); duplicating any one gives the same sequence. VCF-style (leftmost placement, unchanged base first): chr2-47806646-A-AT. GRCh37 (hg19) VCF-style: chr2-48033785-A-AT.
Other names: c.3999dupT (NM_000179.2); c.3609dup, p.Arg1204fs (NM_001281492.2); c.3093dup, p.Arg1032fs (NM_001281493.2, NM_001281494.2); short protein forms R1032fs, R1204fs, R1334fs.
Identifiers: ClinVar variation 218076 (VCV000218076.17), dbSNP rs863225418, ClinGen allele CA279676.